The following is an entry in ClinVar:

ClinVar aggregate classification (germline): Uncertain significance (1 of 4 stars; one submission).

Conditions:
Cardiovascular phenotype. Identifiers: MedGen CN230736.
Hereditary cancer-predisposing syndrome. Also called: Tumor predisposition; Neoplastic Syndromes, Hereditary; Hereditary neoplastic syndrome; Hereditary Cancer Syndrome. Identifiers: Orphanet 140162, MedGen C0027672, MeSH D009386, MONDO:0015356.

Submission:

Ambry Genetics
Classification: Uncertain significance for Cardiovascular phenotype; Hereditary cancer-predisposing syndrome. Last evaluated: 2025-07-09. Review status: criteria provided, single submitter. Criteria: Ambry Variant Classification Scheme 2023. Collection method: clinical testing. Allele origin: germline.
Comment: The p.I533S variant (also known as c.1598T>G), located in coding exon 14 of the LZTR1 gene, results from a T to G substitution at nucleotide position 1598. The isoleucine at codon 533 is replaced by serine, an amino acid with dissimilar properties. This amino acid position is conserved. In addition, this alteration is predicted to be deleterious by in silico analysis. Based on the available evidence, the clinical significance of this variant remains unclear.

NM_006767.4(LZTR1):c.1598T>G (p.Ile533Ser)

Gene: LZTR1 (leucine zipper like post translational regulator 1; plus strand). Cytogenetic location: 22q11.21.
Variant type: single nucleotide variant.
Coding change: c.1598T>G on transcript NM_006767.4 (MANE Select); coding-DNA position 1598, T replaced by G.
Protein change: p.Ile533Ser; replaces isoleucine 533 with serine.
Molecular consequence: missense variant.
Genome position (GRCh38, 1-based): chr22:20,994,252, T>G. VCF-style: chr22-20994252-T-G. GRCh37 (hg19) VCF-style: chr22-21348541-T-G.
Other names: short protein forms I533S.
Identifiers: ClinVar variation 4101892 (VCV004101892.1).